The following is an entry in ClinVar:

ClinVar aggregate classification (germline): Uncertain significance. Review status: criteria provided, multiple submitters, no conflicts (2 of 4 stars). 2 submissions from 2 submitters: Uncertain significance (2). Last evaluated 2024-05-22.

Conditions:
Immunodeficiency due to CD25 deficiency. Also called: IL2RA DEFICIENCY; IMMUNODEFICIENCY 41 WITH LYMPHOPROLIFERATION AND AUTOIMMUNITY; CD25 DEFICIENCY. Identifiers: Orphanet 169100, MedGen C1853392, MONDO:0011664, OMIM 606367.
Type 1 diabetes mellitus 10 (T1D10). Identifiers: MedGen C1866040, MONDO:0011168, OMIM 601942.

Allele frequency attached by ClinVar (database versions not stated): gnomAD exomes 0.00002 and 0.00004; ExAC 0.00005; 1000 Genomes Project 30x 0.00016; gnomAD 0.00017; 1000 Genomes Project 0.00020; ESP Exome Variant Server 0.00023; TOPMed 0.00028.
gnomAD v4.1: 57 of 1,614,106 alleles (0.0035%); highest among the groups gnomAD compares: African/African-American, 0.072%; 1 homozygote.

Submissions (2):

Labcorp Genetics (formerly Invitae), Labcorp
Classification: Uncertain significance for Immunodeficiency due to CD25 deficiency. Last evaluated: 2024-05-22. Review status: criteria provided, single submitter. Criteria: Invitae Variant Classification Sherloc (09022015). Collection method: clinical testing. Allele origin: germline.
Comment: This sequence change replaces lysine, which is basic and polar, with arginine, which is basic and polar, at codon 42 of the IL2RA protein (p.Lys42Arg). This variant is present in population databases (rs142016545, gnomAD 0.06%). This variant has not been reported in the literature in individuals affected with IL2RA-related conditions. ClinVar contains an entry for this variant (Variation ID: 1021454). Advanced modeling of protein sequence and biophysical properties (such as structural, functional, and spatial information, amino acid conservation, physicochemical variation, residue mobility, and thermodynamic stability) performed at Invitae indicates that this missense variant is not expected to disrupt IL2RA protein function with a negative predictive value of 80%. In summary, the available evidence is currently insufficient to determine the role of this variant in disease. Therefore, it has been classified as a Variant of Uncertain Significance.

Fulgent Genetics
Classification: Uncertain significance for Type 1 diabetes mellitus 10; Immunodeficiency due to CD25 deficiency. Last evaluated: 2022-04-05. Review status: criteria provided, single submitter. Criteria: ACMG Guidelines, 2015. Collection method: clinical testing. Allele origin: unknown.

NM_000417.3(IL2RA):c.125A>G (p.Lys42Arg)

Gene: IL2RA (interleukin 2 receptor subunit alpha; minus strand). Cytogenetic location: 10p15.1.
Variant type: single nucleotide variant.
Coding change: c.125A>G on transcript NM_000417.3 (MANE Select); coding-DNA position 125, A replaced by G.
Protein change: p.Lys42Arg; replaces lysine 42 with arginine.
Molecular consequence: missense variant.
Genome position (GRCh38, 1-based): chr10:6,025,965, T>C on the plus strand (A>G on the coding strand, the complement: IL2RA is on the minus strand). VCF-style: chr10-6025965-T-C. GRCh37 (hg19) VCF-style: chr10-6067928-T-C.
Other names: c.125A>G, p.Lys42Arg (NM_001308242.2, NM_001308243.2); short protein forms K42R.
Identifiers: ClinVar variation 1021454 (VCV001021454.8), dbSNP rs142016545, ClinGen allele CA5397541.